The following is an entry in ClinVar:

NM_000399.5(EGR2):c.1421G>A (p.Arg474Gln)

Gene: EGR2 (early growth response 2; minus strand). Cytogenetic location: 10q21.3.
Variant type: single nucleotide variant.
Coding change: c.1421G>A on transcript NM_000399.5 (MANE Select); coding-DNA position 1421, G replaced by A.
Protein change: p.Arg474Gln; replaces arginine 474 with glutamine.
Molecular consequence: missense variant.
Genome position (GRCh38, 1-based): chr10:62,813,217, C>T on the plus strand (G>A on the coding strand, the complement: EGR2 is on the minus strand). VCF-style: chr10-62813217-C-T. GRCh37 (hg19) VCF-style: chr10-64572977-C-T.
Other names: c.1421G>A, p.Arg474Gln (NM_001136177.3, NM_001136178.2); c.1271G>A, p.Arg424Gln (NM_001136179.3, NM_001321037.2); c.1460G>A, p.Arg487Gln (NM_001410931.1); short protein forms R487Q, R474Q, R424Q.
Identifiers: ClinVar variation 2721317 (VCV002721317.3), dbSNP rs370111045, ClinGen allele CA5517139.

ClinVar aggregate classification (germline): Uncertain significance (1 of 4 stars; one submission).

Conditions:
Charcot-Marie-Tooth disease, type I (CMT1). Also called: Charcot-Marie-Tooth disease type 1; Charcot-Marie-Tooth, Type 1. Identifiers: Orphanet 65753, MedGen C0751036, MONDO:0019011.

Allele frequency attached by ClinVar (database versions not stated): gnomAD exomes 0.00001; ESP Exome Variant Server 0.00008; ExAC 0.00001; gnomAD 0.00002; TOPMed 0.00002.

Submission:

Labcorp Genetics (formerly Invitae), Labcorp
Classification: Uncertain significance for Charcot-Marie-Tooth disease, type I. Last evaluated: 2025-10-03. Review status: criteria provided, single submitter. Criteria: Invitae Variant Classification Sherloc (09022015). Collection method: clinical testing. Allele origin: germline.
Comment: This sequence change replaces arginine, which is basic and polar, with glutamine, which is neutral and polar, at codon 474 of the EGR2 protein (p.Arg474Gln). The frequency data for this variant in the population databases is considered unreliable, as metrics indicate poor data quality at this position in the gnomAD database. This variant has not been reported in the literature in individuals affected with EGR2-related conditions. ClinVar contains an entry for this variant (Variation ID: 2721317). Invitae Evidence Modeling of protein sequence and biophysical properties (such as structural, functional, and spatial information, amino acid conservation, physicochemical variation, residue mobility, and thermodynamic stability) has been performed for this missense variant. However, the output from this modeling did not meet the statistical confidence thresholds required to predict the impact of this variant on EGR2 protein function. In summary, the available evidence is currently insufficient to determine the role of this variant in disease. Therefore, it has been classified as a Variant of Uncertain Significance.